The following is an entry in ClinVar:

ClinVar aggregate classification (germline): Likely benign. Review status: criteria provided, multiple submitters, no conflicts (2 of 4 stars). 2 submissions from 2 submitters: Likely benign (2). Last evaluated 2026-05-06.

Conditions:
IGHMBP2-related disorder. Also called: IGHMBP2-related disorders; IGHMBP2-related condition.

Submissions (2):

PreventionGenetics, part of Exact Sciences
Classification: Likely benign for IGHMBP2-related condition. Last evaluated: 2026-05-06. Review status: criteria provided, single submitter. Criteria: ACMG Guidelines, 2015. Collection method: clinical testing. Allele origin: germline.
Comment: This variant is classified as likely benign based on ACMG/AMP sequence variant interpretation guidelines (Richards et al. 2015 PMID: 25741868, with internal and published modifications).

Mayo Clinic Laboratories, Mayo Clinic
Classification: Likely benign. Last evaluated: 2025-07-17. Review status: criteria provided, single submitter. Criteria: ACMG Guidelines, 2015. Collection method: clinical testing. Allele origin: germline. Observed: 1 variant allele.
Comment: BP4, BP7

NM_002180.3(IGHMBP2):c.-3G>A

Gene: IGHMBP2 (immunoglobulin mu DNA binding protein 2; plus strand). Cytogenetic location: 11q13.3.
Variant type: single nucleotide variant.
Coding change: c.-3G>A on transcript NM_002180.3 (MANE Select); 3 bases upstream of the start codon, G replaced by A.
Molecular consequence: 5 prime UTR variant.
Genome position (GRCh38, 1-based): chr11:68,903,950, G>A. VCF-style: chr11-68903950-G-A. GRCh37 (hg19) VCF-style: chr11-68671418-G-A.
Identifiers: ClinVar variation 4683646 (VCV004683646.2).